The following is an entry in ClinVar:

NM_006031.6(PCNT):c.7180-41G>T

Gene: PCNT (pericentrin; plus strand). Cytogenetic location: 21q22.3.
Variant type: single nucleotide variant.
Coding change: c.7180-41G>T on transcript NM_006031.6 (MANE Select); 41 bases into the intron before coding-DNA position 7180, G replaced by T.
Molecular consequence: intron variant.
Genome position (GRCh38, 1-based): chr21:46,425,790, G>T. VCF-style: chr21-46425790-G-T. GRCh37 (hg19) VCF-style: chr21-47845704-G-T.
Other names: c.6826-41G>T (NM_001315529.2).
Identifiers: ClinVar variation 159651 (VCV000159651.8), dbSNP rs8128866, ClinGen allele CA173084.

ClinVar aggregate classification (germline): Likely benign. Review status: criteria provided, single submitter (1 of 4 stars). 2 submissions from 2 submitters: Likely benign (1). 1 of the submissions does not count toward it. Last evaluated 2019-08-21.

Allele frequency attached by ClinVar (database versions not stated): ExAC 0.00187; 1000 Genomes Project 0.00419; 1000 Genomes Project 30x 0.00484; ESP Exome Variant Server 0.00577; TOPMed 0.00692.
gnomAD v4.1: 1,776 of 1,611,298 alleles (0.11%); highest among the groups gnomAD compares: African/African-American, 2.1%; 17 homozygotes.

Submissions (2):

GeneDx
Classification: Likely benign. Last evaluated: 2019-08-21. Review status: criteria provided, single submitter. Criteria: GeneDx Variant Classification Process June 2021. Collection method: clinical testing. Allele origin: germline. Affected: yes.

Genetic Services Laboratory, University of Chicago
Classification: Likely benign. Review status: no assertion criteria provided. Collection method: clinical testing. Allele origin: germline. Inheritance: Autosomal recessive inheritance. Not counted in ClinVar's aggregate classification.
Comment: Likely benign based on allele frequency in 1000 Genomes Project or ESP global frequency and its presence in a patient with a rare or unrelated disease phenotype. NOT Sanger confirmed